The following is an entry in ClinVar:

ClinVar aggregate classification (germline): Pathogenic/Likely pathogenic. Review status: criteria provided, multiple submitters, no conflicts (2 of 4 stars). 8 submissions from 8 submitters: Pathogenic (5); Likely pathogenic (3). Last evaluated 2026-02-25.

Conditions:
TGFBR2-related disorder. Also called: TGFBR2-related condition.
Loeys-Dietz syndrome 1 (LDS1). Also called: TGFBR1-Related Loeys-Dietz Syndrome; FURLONG SYNDROME; AORTIC ANEURYSM, FAMILIAL THORACIC 5. Identifiers: Orphanet 60030, MedGen C4551955, MONDO:0012212, OMIM 609192.
Familial thoracic aortic aneurysm and aortic dissection (TAAD). Also called: Thoracic aortic aneurysms and dissections. Identifiers: Orphanet 91387, MedGen C4707243, MONDO:0019625.
Loeys-Dietz syndrome 2 (LDS2). Also called: TGFBR2-Related Loeys-Dietz Syndrome; Marfan Syndrome type 2; Marfan like connective tissue disorder; MFS 2; AORTIC ANEURYSM, FAMILIAL THORACIC 3; MARFAN SYNDROME, TYPE II. Identifiers: Orphanet 284973, Orphanet 558, MedGen C2674574, MONDO:0012427, OMIM 610168.

Submissions (8):

Victorian Clinical Genetics Services, Murdoch Childrens Research Institute
Classification: Pathogenic for Loeys-Dietz syndrome 2. Last evaluated: 2026-02-25. Review status: criteria provided, single submitter. Criteria: ACMG Guidelines, 2015. Collection method: clinical testing. Allele origin: germline. Affected: yes.
Comment: This variant is classified as Pathogenic. Evidence in support of pathogenic classification: Variant is absent from gnomAD (v2, v3 and v4); This variant has strong previous evidence of pathogenicity in unrelated individuals. This variant has been classified as pathogenic or likely pathogenic by clinical laboratories in ClinVar. It has also been reported in several individuals with Loeys-Dietz syndrome in the literature (PMIDs: 31569402, 22095581, 24792536); Other missense variants comparable to the one identified in this case have moderate previous evidence for pathogenicity. The p.(Asp446Tyr) and p.(Asp446Gly) variants have been classified as likely pathogenic by clinical laboratories in ClinVar; Variant is located in a hotspot region or cluster of PATHOGENIC variants (DECIPHER); Missense variant predicted to be damaging by in silico tool(s) or highly conserved with a major amino acid change; Additional information: Variant is predicted to result in a missense amino acid change from Asp to Asn; This variant is heterozygous; This gene is associated with autosomal dominant disease; Gain of function is a known mechanism of disease in this gene and is associated with Loeys-Dietz syndrome 2 (MIM#610168). Additionally, loss of function has been suggested for particular missense variants (PMIDs: 20301312, 15731757, 32528524, 28679693).

Labcorp Genetics (formerly Invitae), Labcorp
Classification: Pathogenic for Familial thoracic aortic aneurysm and aortic dissection. Last evaluated: 2024-04-25. Review status: criteria provided, single submitter. Criteria: Invitae Variant Classification Sherloc (09022015). Collection method: clinical testing. Allele origin: germline.
Comment: This sequence change replaces aspartic acid, which is acidic and polar, with asparagine, which is neutral and polar, at codon 446 of the TGFBR2 protein (p.Asp446Asn). This variant is not present in population databases (gnomAD no frequency). This missense change has been observed in individual(s) with aortic dilation or Loeys-Dietz syndrome (PMID: 16251899, 18781618, 19006214, 21484991, 22095581, 22259224, 23884466, 24792536). In at least one individual the variant was observed to be de novo. ClinVar contains an entry for this variant (Variation ID: 265447). Advanced modeling performed at Invitae incorporating data from internal and/or published experimental studies (Invitae) indicates that this missense variant is expected to disrupt TGFBR2 function with a positive predictive value of 95%. This variant disrupts the p.Asp446 amino acid residue in TGFBR2. Other variant(s) that disrupt this residue have been observed in individuals with TGFBR2-related conditions (PMID: 21484991), which suggests that this may be a clinically significant amino acid residue. For these reasons, this variant has been classified as Pathogenic.

Revvity Omics, Revvity
Classification: Pathogenic. Last evaluated: 2023-08-22. Review status: criteria provided, single submitter. Criteria: ACMG Guidelines, 2015. Collection method: clinical testing. Allele origin: germline.

GeneDx
Classification: Pathogenic. Last evaluated: 2023-01-09. Review status: criteria provided, single submitter. Criteria: GeneDx Variant Classification Process June 2021. Collection method: clinical testing. Allele origin: germline. Affected: yes.
Comment: Not observed at significant frequency in large population cohorts (gnomAD); In silico analysis supports that this missense variant has a deleterious effect on protein structure/function; This variant is associated with the following publications: (PMID: 23884466, 18781618, 22095581, 16835936, 16251899, 22259224, 32352226, 24792536, 32152251, 19006214, 30219046)

PreventionGenetics, part of Exact Sciences
Classification: Likely pathogenic for TGFBR2-related condition. Last evaluated: 2022-09-01. Review status: criteria provided, single submitter. Criteria: ACMG Guidelines, 2015. Collection method: clinical testing. Allele origin: germline.
Comment: The TGFBR2 c.1336G>A variant is predicted to result in the amino acid substitution p.Asp446Asn. This is a recurrent de novo variant that has been reported in multiple individuals with Loeys-Dietz syndrome (Ben Amor et al. 2012. PubMed ID: 22095581; Jani et al. 2020. PubMed ID: 32152251; Stheneur et al. 2008. PubMed ID: 18781618). This variant has not been reported in a large population database, indicating this variant is rare. This variant is interpreted as likely pathogenic.

Centre of Medical Genetics, University of Antwerp
Classification: Likely pathogenic for Loeys-Dietz syndrome 2. Last evaluated: 2021-03-01. Review status: criteria provided, single submitter. Criteria: ACMG Guidelines, 2015. Collection method: research. Allele origin: unknown. Affected: yes. Observed: 2 variant alleles.
Comment: PM2, PS1, PM1, PP1

Ambry Genetics
Classification: Pathogenic for Familial thoracic aortic aneurysm and aortic dissection. Last evaluated: 2017-02-12. Review status: criteria provided, single submitter. Criteria: Ambry Variant Classification Scheme 2023. Collection method: clinical testing. Allele origin: germline.
Comment: The p.D446N pathogenic mutation (also known as c.1336G>A), located in coding exon 5 of the TGFBR2 gene, results from a G to A substitution at nucleotide position 1336. The aspartic acid at codon 446 is replaced by asparagine, an amino acid with highly similar properties. This alteration has been detected in multiple unrelated individuals with Loeys-Dietz syndrome (LDS), reported as occurring de novo in a few cases, and described to segregate with disease in a few families (Disabella E et al. Eur. J. Hum. Genet., 2006 Jan;14:34-8; Stheneur C et al. Hum. Mutat., 2008 Nov;29:E284-95; Watanabe Y et al. Am. J. Med. Genet. A, 2008 Dec;146A:3070-4; Sousa SB et al. Am. J. Med. Genet. A, 2011 May;155A:1178-83; Ben Amor IM et al. J. Bone Miner. Res., 2012 Mar;27:713-8; Frischmeyer-Guerrerio PA et al. Sci Transl Med, 2013 Jul;5:195ra94; Longmuir SQ et al. J AAPOS, 2014 Jun;18:288-90). Internal structural analysis suggested that this alteration would destabilize the structure of the C-terminal lobe of the kinase domain. Based on the supporting evidence, this alteration is interpreted as a disease-causing mutation.

Molecular Diagnostic Laboratory for Inherited Cardiovascular Disease, Montreal Heart Institute
Classification: Likely pathogenic for Loeys-Dietz syndrome 1. Last evaluated: 2016-09-30. Review status: criteria provided, single submitter. Criteria: ACMG Guidelines, 2015. Collection method: clinical testing. Allele origin: germline. Affected: yes.

Literature cited by the submitters: PubMed 20301312 (cited by Victorian Clinical Genetics Services, Murdoch Childrens Research Institute); PubMed 15731757 (cited by Victorian Clinical Genetics Services, Murdoch Childrens Research Institute); PubMed 24792536 (cited by 3 submitters); PubMed 32528524 (cited by Victorian Clinical Genetics Services, Murdoch Childrens Research Institute); PubMed 28679693 (cited by Victorian Clinical Genetics Services, Murdoch Childrens Research Institute); PubMed 31569402 (cited by Victorian Clinical Genetics Services, Murdoch Childrens Research Institute); PubMed 22095581 (cited by 3 submitters); PubMed 16251899 (cited by Labcorp Genetics (formerly Invitae), Labcorp and Ambry Genetics); PubMed 18781618 (cited by Labcorp Genetics (formerly Invitae), Labcorp and Ambry Genetics); PubMed 19006214 (cited by Labcorp Genetics (formerly Invitae), Labcorp and Ambry Genetics); PubMed 21484991 (cited by Labcorp Genetics (formerly Invitae), Labcorp and Ambry Genetics); PubMed 22259224 (cited by Labcorp Genetics (formerly Invitae), Labcorp); PubMed 23884466 (cited by Labcorp Genetics (formerly Invitae), Labcorp and Ambry Genetics).

NM_003242.6(TGFBR2):c.1336G>A (p.Asp446Asn)

Gene: TGFBR2 (transforming growth factor beta receptor 2; plus strand). Cytogenetic location: 3p24.1.
Variant type: single nucleotide variant.
Coding change: c.1336G>A on transcript NM_003242.6 (MANE Select); coding-DNA position 1336, G replaced by A.
Protein change: p.Asp446Asn; replaces aspartic acid 446 with asparagine.
Molecular consequence: missense variant.
Genome position (GRCh38, 1-based): chr3:30,674,186, G>A. VCF-style: chr3-30674186-G-A. GRCh37 (hg19) VCF-style: chr3-30715678-G-A.
Other names: c.1411G>A, p.Asp471Asn (NM_001024847.3); c.1519G>A, p.Asp507Asn (NM_001407126.1); c.1444G>A, p.Asp482Asn (NM_001407127.1); c.1363G>A, p.Asp455Asn (NM_001407128.1); c.1339G>A, p.Asp447Asn (NM_001407129.1); c.1336G>A, p.Asp446Asn (NM_001407130.1); c.1231G>A, p.Asp411Asn (NM_001407132.1, NM_001407133.1, NM_001407134.1 and 2 more transcripts); c.1051G>A, p.Asp351Asn (NM_001407137.1); and 1 more; short protein forms D446N, D471N, D455N, D482N, D507N, D411N, D326N, D351N.
Identifiers: ClinVar variation 265447 (VCV000265447.36), dbSNP rs886039551, ClinGen allele CA10588355.